The following is an entry in ClinVar:

ClinVar aggregate classification (germline): Conflicting classifications of pathogenicity. Review status: criteria provided, conflicting classifications (1 of 4 stars). 8 submissions from 8 submitters: Likely pathogenic (3); Uncertain significance (5). Last evaluated 2026-04-21.

Conditions:
Bilateral hearing loss, bilateral enlarged vestibular aqueduct (EVA).
Hypogonadotropic hypogonadism 5 with or without anosmia (KAL5). Also called: HYPOGONADOTROPIC HYPOGONADISM 5 WITH ANOSMIA; HYPOGONADOTROPHIC HYPOGONADISM 5 WITHOUT ANOSMIA; CHD7-Related GnRH Deficiency (Kallmann Syndrome 5). Identifiers: Orphanet 478, MedGen C3552553, MONDO:0012880, OMIM 612370. Disease mechanism: loss of function.
CHARGE syndrome (CHARGE). Also called: CHARGE ASSOCIATION--COLOBOMA, HEART ANOMALY, CHOANAL ATRESIA, RETARDATION, GENITAL AND EAR ANOMALIES; Coloboma, heart anomaly, choanal atresia, retardation, genital and ear anomalies; CHARGE association; Hall-Hittner syndrome; Hittner Hirsch Kreh syndrome. Identifiers: Orphanet 138, MedGen C0265354, MONDO:0008965.
CHD7-related disorder. Also called: CHD7-related condition.

Allele frequency attached by ClinVar (database versions not stated): gnomAD 0.00001; gnomAD exomes 0.00001 and 0.00002; TOPMed 0.00001; ExAC 0.00002.
gnomAD v4.1: 15 of 1,611,290 alleles (0.00093%); highest among the groups gnomAD compares: African/African-American, 0.0013%; no homozygotes.

Submissions (8):

PreventionGenetics, part of Exact Sciences
Classification: Uncertain significance for CHD7-related condition. Last evaluated: 2026-04-21. Review status: criteria provided, single submitter. Criteria: ACMG Guidelines, 2015. Collection method: clinical testing. Allele origin: germline.
Comment: The CHD7 c.5390G>C variant is predicted to result in the amino acid substitution p.Gly1797Ala. This variant has been reported in the heterozygous state in monozygotic twins and their parent all affected with enlarged vestibular aqueduct and hearing loss (Roux et al. 2023. PubMed ID: 37668839). Alternate missense variants at the same amino acid position (p.Gly1797Glu, p.Gly1797Val) have been reported as de novo in an individual with hypogonadotropic hypogonadism (Giestas et al. 2011. Rev Port Endocrinol Diabetes Metab. 02: 42-46) and in individuals affected with CHARGE syndrome (Table S1, Bergman et al. 2012. PubMed ID: 22539353; Table S1, Janssen et al. 2012. PubMed ID: 22461308). The c.5390G>C variant is reported in 0.0065% of alleles in individuals of African descent in gnomAD and has conflicting classifications in ClinVar ranging from uncertain to likely pathogenic (Variation ID: 363466). Although we suspect that this variant may be pathogenic, at this time, the clinical significance of this variant is uncertain due to the absence of conclusive functional and genetic evidence.

Labcorp Genetics (formerly Invitae), Labcorp
Classification: Likely pathogenic for CHARGE syndrome. Last evaluated: 2025-12-28. Review status: criteria provided, single submitter. Criteria: Invitae Variant Classification Sherloc (09022015). Collection method: clinical testing. Allele origin: germline.
Comment: This sequence change replaces glycine, which is neutral and non-polar, with alanine, which is neutral and non-polar, at codon 1797 of the CHD7 protein (p.Gly1797Ala). This variant is present in population databases (rs780597592, gnomAD 0.003%). This missense change has been observed in individual(s) with enlargement of the vestibular aqueduct (EVA) (PMID: 37668839). ClinVar contains an entry for this variant (Variation ID: 363466). Invitae Evidence Modeling of protein sequence and biophysical properties (such as structural, functional, and spatial information, amino acid conservation, physicochemical variation, residue mobility, and thermodynamic stability) indicates that this missense variant is expected to disrupt CHD7 protein function with a positive predictive value of 95%. This variant disrupts the p.Gly1797 amino acid residue in CHD7. Other variant(s) that disrupt this residue have been determined to be pathogenic (PMID: 22461308; internal data). This suggests that this residue is clinically significant, and that variants that disrupt this residue are likely to be disease-causing. In summary, the currently available evidence indicates that the variant is pathogenic, but additional data are needed to prove that conclusively. Therefore, this variant has been classified as Likely Pathogenic.

Fulgent Genetics
Classification: Uncertain significance for CHD7-related CHARGE syndrome; Hypogonadotropic hypogonadism 5 with or without anosmia. Last evaluated: 2024-05-03. Review status: criteria provided, single submitter. Criteria: ACMG Guidelines, 2015. Collection method: clinical testing. Allele origin: germline.

CeGaT Center for Human Genetics Tuebingen
Classification: Uncertain significance. Last evaluated: 2023-03-01. Review status: criteria provided, single submitter. Criteria: CeGaT Center For Human Genetics Tuebingen Variant Classification Criteria Version 2. Collection method: clinical testing. Allele origin: germline. Affected: yes. Observed: 1 variant allele.
Comment: CHD7: PP3

Otolaryngology Branch - NIDCD, NIH
Classification: Likely pathogenic for Bilateral hearing loss, bilateral enlarged vestibular aqueduct (EVA). Last evaluated: 2022-11-25. Review status: criteria provided, single submitter. Criteria: ClinGen HL ACMG Specifications v1. Collection method: research. Allele origin: germline. Affected: yes. Observed: 3 variant alleles.
Comment: found in three affected individuals

GeneDx
Classification: Uncertain significance. Last evaluated: 2022-06-27. Review status: criteria provided, single submitter. Criteria: GeneDx Variant Classification Process June 2021. Collection method: clinical testing. Allele origin: germline. Affected: yes.
Comment: In silico analysis supports that this missense variant has a deleterious effect on protein structure/function; Has not been previously published as pathogenic or benign to our knowledge

Illumina Laboratory Services, Illumina
Classification: Uncertain significance for Kallmann Syndrome 5. Last evaluated: 2018-01-13. Review status: criteria provided, single submitter. Criteria: ICSL Variant Classification Criteria 13 December 2019. Collection method: clinical testing. Allele origin: germline.

Intergen Genetics and Rare Diseases Diagnosis Center
Classification: Likely pathogenic for CHD7-related CHARGE syndrome. Review status: criteria provided, single submitter. Criteria: ACMG Guidelines, 2015. Collection method: clinical testing. Allele origin: unknown. Inheritance: Autosomal dominant inheritance.

Literature cited by the submitters: PubMed 37668839 (cited by Labcorp Genetics (formerly Invitae), Labcorp); PubMed 22461308 (cited by Labcorp Genetics (formerly Invitae), Labcorp).

NM_017780.4(CHD7):c.5390G>C (p.Gly1797Ala)

Gene: CHD7 (chromodomain helicase DNA binding protein 7; plus strand). Cytogenetic location: 8q12.2.
Variant type: single nucleotide variant.
Coding change: c.5390G>C on transcript NM_017780.4 (MANE Select); coding-DNA position 5390, G replaced by C.
Protein change: p.Gly1797Ala; replaces glycine 1797 with alanine.
Molecular consequence: missense variant. On other transcripts: intron variant (1).
Genome position (GRCh38, 1-based): chr8:60,849,140, G>C. VCF-style: chr8-60849140-G-C. GRCh37 (hg19) VCF-style: chr8-61761699-G-C.
Other names: c.1717-13089G>C (NM_001316690.1); short protein forms G1797A.
Identifiers: ClinVar variation 363466 (VCV000363466.68), dbSNP rs780597592, ClinGen allele CA4760347.